The following is an entry in ClinVar:

ClinVar aggregate classification (germline): Uncertain significance (1 of 4 stars; one submission).

Conditions:
Inborn genetic diseases. Identifiers: MedGen C0950123, MeSH D030342.

Submission:

Ambry Genetics
Classification: Uncertain significance for Inborn genetic diseases. Last evaluated: 2026-03-29. Review status: criteria provided, single submitter. Criteria: Ambry Variant Classification Scheme 2023. Collection method: clinical testing. Allele origin: germline.
Comment: The p.Q272H variant (also known as c.816G>T), located in coding exon 7 of the RUNX1 gene, results from a G to T substitution at nucleotide position 816. The glutamine at codon 272 is replaced by histidine, an amino acid with highly similar properties. This amino acid position is conserved. In addition, the in silico prediction for this alteration is inconclusive. Based on the available evidence, the clinical significance of this variant remains unclear.

NM_001754.5(RUNX1):c.816G>T (p.Gln272His)

Gene: RUNX1 (RUNX family transcription factor 1; minus strand). Cytogenetic location: 21q22.12.
Variant type: single nucleotide variant.
Coding change: c.816G>T on transcript NM_001754.5 (MANE Select); coding-DNA position 816, G replaced by T.
Protein change: p.Gln272His; replaces glutamine 272 with histidine.
Molecular consequence: missense variant.
Genome position (GRCh38, 1-based): chr21:34,799,452, C>A on the plus strand (G>T on the coding strand, the complement: RUNX1 is on the minus strand). VCF-style: chr21-34799452-C-A. GRCh37 (hg19) VCF-style: chr21-36171749-C-A.
Other names: c.735G>T, p.Gln245His (NM_001001890.3); short protein forms Q245H, Q272H.
Identifiers: ClinVar variation 4863640 (VCV004863640.1).